The following is an entry in ClinVar:

NM_005173.4(ATP2A3):c.609C>T (p.Asp203=)

Gene: ATP2A3 (ATPase sarcoplasmic/endoplasmic reticulum Ca2+ transporting 3; minus strand). Cytogenetic location: 17p13.2.
Variant type: single nucleotide variant.
Coding change: c.609C>T on transcript NM_005173.4 (MANE Select); coding-DNA position 609, C replaced by T.
Protein change: p.Asp203=; no amino-acid change (aspartic acid 203 retained).
Molecular consequence: synonymous variant.
Genome position (GRCh38, 1-based): chr17:3,950,532, G>A on the plus strand (C>T on the coding strand, the complement: ATP2A3 is on the minus strand). VCF-style: chr17-3950532-G-A. GRCh37 (hg19) VCF-style: chr17-3853826-G-A.
Other names: c.609C>T, p.Asp203= (NM_174953.3, NM_174954.3, NM_174955.3 and 3 more transcripts).
Identifiers: ClinVar variation 3049048 (VCV003049048.2), dbSNP rs77891411, ClinGen allele CA8297466.

ClinVar aggregate classification (germline): Likely benign (0 of 4 stars; one submission).

Conditions:
ATP2A3-related disorder. Also called: ATP2A3-related condition.

Allele frequency attached by ClinVar (database versions not stated): ESP Exome Variant Server 0.00177; gnomAD 0.00180; 1000 Genomes Project 0.00220; TOPMed 0.00250; 1000 Genomes Project 30x 0.00265.
gnomAD v4.1: 558 of 1,614,142 alleles (0.035%); highest among the groups gnomAD compares: African/African-American, 0.57%; 2 homozygotes.

Submission:

PreventionGenetics, part of Exact Sciences
Classification: Likely benign for ATP2A3-related condition. Last evaluated: 2019-12-04. Review status: no assertion criteria provided. Collection method: clinical testing. Allele origin: germline.
Comment: This variant is classified as likely benign based on ACMG/AMP sequence variant interpretation guidelines (Richards et al. 2015 PMID: 25741868, with internal and published modifications).